The following is an entry in ClinVar:

NM_182961.4(SYNE1):c.9053A>C (p.Asp3018Ala)

Gene: SYNE1 (spectrin repeat containing nuclear envelope protein 1; minus strand). Cytogenetic location: 6q25.2.
Variant type: single nucleotide variant.
Coding change: c.9053A>C on transcript NM_182961.4 (MANE Select); coding-DNA position 9053, A replaced by C.
Protein change: p.Asp3018Ala; replaces aspartic acid 3018 with alanine.
Molecular consequence: missense variant.
Genome position (GRCh38, 1-based): chr6:152,376,869, T>G on the plus strand (A>C on the coding strand, the complement: SYNE1 is on the minus strand). VCF-style: chr6-152376869-T-G. GRCh37 (hg19) VCF-style: chr6-152698004-T-G.
Other names: c.9074A>C, p.Asp3025Ala (NM_033071.5); short protein forms D3018A, D3025A.
Identifiers: ClinVar variation 5039516 (VCV005039516.1).

ClinVar aggregate classification (germline): Likely benign (1 of 4 stars; one submission).

gnomAD v4.1: 1 of 1,613,998 alleles (0.000062%); highest among the groups gnomAD compares: South Asian, 0.0011%; no homozygotes.

Submission:

CeGaT Center for Human Genetics Tuebingen
Classification: Likely benign. Last evaluated: 2026-07-01. Review status: criteria provided, single submitter. Criteria: CeGaT Center For Human Genetics Tuebingen Variant Classification Criteria Version 2. Collection method: clinical testing. Allele origin: germline. Affected: yes. Observed: 1 variant allele.
Comment: SYNE1: BP4